The following is an entry in ClinVar:

NM_007294.4(BRCA1):c.1885A>G (p.Arg629Gly)

Gene: BRCA1 (BRCA1 DNA repair associated; minus strand). Cytogenetic location: 17q21.31.
Variant type: single nucleotide variant.
Coding change: c.1885A>G on transcript NM_007294.4 (MANE Select); coding-DNA position 1885, A replaced by G.
Protein change: p.Arg629Gly; replaces arginine 629 with glycine.
Molecular consequence: missense variant. On other transcripts: intron variant (137).
Genome position (GRCh38, 1-based): chr17:43,093,646, T>C on the plus strand (A>G on the coding strand, the complement: BRCA1 is on the minus strand). VCF-style: chr17-43093646-T-C. GRCh37 (hg19) VCF-style: chr17-41245663-T-C.
Other names: c.1741A>G, p.Arg581Gly (NM_001407847.1, NM_001407848.1, NM_001407849.1 and 20 more transcripts); c.1744A>G, p.Arg582Gly (NM_001407850.1, NM_001407851.1, NM_001407852.1 and 29 more transcripts); c.1672A>G, p.Arg558Gly (NM_001407853.1, NM_001407894.1, NM_001407895.1 and 9 more transcripts); c.1885A>G, p.Arg629Gly (NM_001407854.1, NM_001407858.1, NM_001407859.1 and 30 more transcripts); c.1882A>G, p.Arg628Gly (NM_001407860.1, NM_001407861.1, NM_001407587.1 and 22 more transcripts); c.1684A>G, p.Arg562Gly (NM_001407862.1); c.1762A>G, p.Arg588Gly (NM_001407863.1, NM_001407919.1, NM_001407937.1 and 19 more transcripts); c.1681A>G, p.Arg561Gly (NM_001407874.1, NM_001407875.1); and 40 more; short protein forms R582G, R629G, R333G, R502G, R517G, R541G, R588G, R501G.
Identifiers: ClinVar variation 840872 (VCV000840872.13), dbSNP rs1555590987, ClinGen allele CA10598252.

ClinVar aggregate classification (germline): Conflicting classifications of pathogenicity. Review status: criteria provided, conflicting classifications (1 of 4 stars). 2 submissions from 2 submitters: Uncertain significance (1); Likely benign (1). Last evaluated 2024-05-29.

Conditions:
Hereditary cancer-predisposing syndrome. Also called: Hereditary Cancer Syndrome; Hereditary neoplastic syndrome; Tumor predisposition; Neoplastic Syndromes, Hereditary. Identifiers: Orphanet 140162, MedGen C0027672, MeSH D009386, MONDO:0015356.
Hereditary breast ovarian cancer syndrome. Also called: Breast and ovarian cancer; Hereditary breast and ovarian cancer syndrome; Hereditary breast and ovarian cancer syndrome (HBOC); BRCA1- and BRCA2-Associated Hereditary Breast and Ovarian Cancer; Hereditary breast and ovarian cancer; Hereditary breast and/or ovarian cancer syndrome. Identifiers: Orphanet 145, MedGen C0677776, MeSH D061325, MONDO:0003582. Disease mechanism: loss of function.

Submissions (2):

Labcorp Genetics (formerly Invitae), Labcorp
Classification: Uncertain significance for Hereditary breast ovarian cancer syndrome. Last evaluated: 2024-05-29. Review status: criteria provided, single submitter. Criteria: Invitae Variant Classification Sherloc (09022015). Collection method: clinical testing. Allele origin: germline.
Comment: This sequence change replaces arginine, which is basic and polar, with glycine, which is neutral and non-polar, at codon 629 of the BRCA1 protein (p.Arg629Gly). This variant is not present in population databases (gnomAD no frequency). This variant has not been reported in the literature in individuals affected with BRCA1-related conditions. ClinVar contains an entry for this variant (Variation ID: 840872). Advanced modeling of protein sequence and biophysical properties (such as structural, functional, and spatial information, amino acid conservation, physicochemical variation, residue mobility, and thermodynamic stability) performed at Invitae indicates that this missense variant is not expected to disrupt BRCA1 protein function with a negative predictive value of 95%. In summary, the available evidence is currently insufficient to determine the role of this variant in disease. Therefore, it has been classified as a Variant of Uncertain Significance.

University of Washington Department of Laboratory Medicine, University of Washington
Classification: Likely benign for Hereditary cancer-predisposing syndrome. Last evaluated: 2023-03-23. Review status: criteria provided, single submitter. Criteria: Dines et al. (Genet Med. 2020). Collection method: curation. Allele origin: germline.
Comment: Missense variant in a coldspot region where missense variants are very unlikely to be pathogenic (PMID:31911673).

BRCA1 coldspot (exon 11 using historical exon numbering). Reclassification based on statistical prior probability